The following is an entry in ClinVar:

NM_024989.4(PGAP1):c.1610C>A (p.Thr537Asn)

Gene: PGAP1 (post-GPI attachment to proteins inositol deacylase 1; minus strand). Cytogenetic location: 2q33.1.
Variant type: single nucleotide variant.
Coding change: c.1610C>A on transcript NM_024989.4 (MANE Select); coding-DNA position 1610, C replaced by A.
Protein change: p.Thr537Asn; replaces threonine 537 with asparagine.
Molecular consequence: missense variant.
Genome position (GRCh38, 1-based): chr2:196,872,969, G>T on the plus strand (C>A on the coding strand, the complement: PGAP1 is on the minus strand). VCF-style: chr2-196872969-G-T. GRCh37 (hg19) VCF-style: chr2-197737693-G-T.
Other names: c.1088C>A, p.Thr363Asn (NM_001321099.2); c.443C>A, p.Thr148Asn (NM_001321100.2); short protein forms T148N, T363N, T537N.
Identifiers: ClinVar variation 3378381 (VCV003378381.1).

ClinVar aggregate classification (germline): Uncertain significance (1 of 4 stars; one submission).

Submission:

GeneDx
Classification: Uncertain significance. Last evaluated: 2024-05-15. Review status: criteria provided, single submitter. Criteria: GeneDx Variant Classification Process June 2021. Collection method: clinical testing. Allele origin: germline. Affected: yes.
Comment: Has not been previously published as pathogenic or benign to our knowledge; Not observed at significant frequency in large population cohorts (gnomAD); In silico analysis indicates that this missense variant does not alter protein structure/function